The following is an entry in ClinVar:

NM_000059.4(BRCA2):c.7588C>T (p.Gln2530Ter)

Gene: BRCA2 (BRCA2 DNA repair associated; plus strand). Cytogenetic location: 13q13.1.
Variant type: single nucleotide variant.
Coding change: c.7588C>T on transcript NM_000059.4 (MANE Select); coding-DNA position 7588, C replaced by T.
Protein change: p.Gln2530Ter; replaces glutamine 2530 with a stop codon.
Molecular consequence: nonsense.
Genome position (GRCh38, 1-based): chr13:32,356,580, C>T. VCF-style: chr13-32356580-C-T. GRCh37 (hg19) VCF-style: chr13-32930717-C-T.
Other names: c.7588C>T (NM_000059.3); short protein forms Q2530*.
Identifiers: ClinVar variation 2137484 (VCV002137484.5), dbSNP rs2548541662, ClinGen allele CA387743872.

ClinVar aggregate classification (germline): Pathogenic. Review status: criteria provided, multiple submitters, no conflicts (2 of 4 stars). 2 submissions from 2 submitters: Pathogenic (2). Last evaluated 2026-06-17.

Conditions:
Hereditary breast ovarian cancer syndrome. Also called: Hereditary breast and ovarian cancer; Hereditary breast and/or ovarian cancer syndrome; Breast and ovarian cancer; Hereditary breast and ovarian cancer syndrome; Hereditary breast and ovarian cancer syndrome (HBOC); BRCA1- and BRCA2-Associated Hereditary Breast and Ovarian Cancer. Identifiers: Orphanet 145, MedGen C0677776, MeSH D061325, MONDO:0003582. Disease mechanism: loss of function.
Hereditary cancer-predisposing syndrome. Also called: Tumor predisposition; Hereditary Cancer Syndrome; Hereditary neoplastic syndrome; Neoplastic Syndromes, Hereditary. Identifiers: Orphanet 140162, MedGen C0027672, MeSH D009386, MONDO:0015356.

Allele frequency attached by ClinVar (database versions not stated): gnomAD exomes below 0.00001.
gnomAD v4.1: 1 of 1,614,162 alleles (0.000062%); highest among the groups gnomAD compares: South Asian, 0.0011%; no homozygotes.

Submissions (2):

Ambry Genetics
Classification: Pathogenic for Hereditary cancer-predisposing syndrome. Last evaluated: 2026-06-17. Review status: criteria provided, single submitter. Criteria: Ambry Variant Classification Scheme 2023. Collection method: clinical testing. Allele origin: germline.
Comment: The p.Q2530* pathogenic mutation (also known as c.7588C>T), located in coding exon 14 of the BRCA2 gene, results from a C to T substitution at nucleotide position 7588. This changes the amino acid from a glutamine to a stop codon within coding exon 14. Two saturation genome editing-based studies, including a haploid cell-survival assay and a humanized mouse embryonic stem cell line assay of drug response and survival, demonstrate that this nucleotide substitution is non-functional (Huang H et al. Nature. 2025 Feb;638(8050):528-537; Sahu S et al. Nature. 2025 Feb;638(8050):538-545). This variant is considered to be rare based on population cohorts in the Genome Aggregation Database (gnomAD). This alteration is expected to result in loss of function by premature protein truncation or nonsense-mediated mRNA decay. As such, this alteration is interpreted as a disease-causing mutation.

Labcorp Genetics (formerly Invitae), Labcorp
Classification: Pathogenic for Hereditary breast ovarian cancer syndrome. Last evaluated: 2022-06-07. Review status: criteria provided, single submitter. Criteria: Invitae Variant Classification Sherloc (09022015). Collection method: clinical testing. Allele origin: germline.
Comment: This sequence change creates a premature translational stop signal (p.Gln2530*) in the BRCA2 gene. It is expected to result in an absent or disrupted protein product. Loss-of-function variants in BRCA2 are known to be pathogenic (PMID: 20104584). This variant is not present in population databases (gnomAD no frequency). This premature translational stop signal has been observed in individual(s) with clinical features of hereditary breast and ovarian cancer (HBOC) syndrome (PMID: 26852015). For these reasons, this variant has been classified as Pathogenic.

Literature cited by the submitters: PubMed 39779848 (cited by Ambry Genetics); PubMed 39779857 (cited by Ambry Genetics); PubMed 20104584 (cited by Labcorp Genetics (formerly Invitae), Labcorp); PubMed 26852015 (cited by Labcorp Genetics (formerly Invitae), Labcorp).